The following is an entry in ClinVar:

NM_003482.4(KMT2D):c.13951C>T (p.His4651Tyr)

Gene: KMT2D (lysine methyltransferase 2D; minus strand). Cytogenetic location: 12q13.12.
Variant type: single nucleotide variant.
Coding change: c.13951C>T on transcript NM_003482.4 (MANE Select); coding-DNA position 13951, C replaced by T.
Protein change: p.His4651Tyr; replaces histidine 4651 with tyrosine.
Molecular consequence: missense variant.
Genome position (GRCh38, 1-based): chr12:49,030,328, G>A on the plus strand (C>T on the coding strand, the complement: KMT2D is on the minus strand). VCF-style: chr12-49030328-G-A. GRCh37 (hg19) VCF-style: chr12-49424111-G-A.
Other names: short protein forms H4651Y.
Identifiers: ClinVar variation 1696758 (VCV001696758.8), dbSNP rs767232021, ClinGen allele CA6545858.

ClinVar aggregate classification (germline): Conflicting classifications of pathogenicity. Review status: criteria provided, conflicting classifications (1 of 4 stars). 4 submissions from 4 submitters: Uncertain significance (1); Benign (1); Likely benign (2). Last evaluated 2026-03-12.

Conditions:
Kabuki syndrome 1 (KABUK1). Also called: KMT2D-Related Kabuki Syndrome. Identifiers: Orphanet 2322, MedGen CN030661, MONDO:0007843, OMIM 147920.
KMT2D-related disorder. Also called: KMT2D-Related Disorders.
Kabuki syndrome. Also called: NIIKAWA-KUROKI SYNDROME; Kabuki make-up syndrome. Identifiers: Orphanet 2322, MedGen C0796004, MONDO:0016512.

Allele frequency attached by ClinVar (database versions not stated): ExAC 0.00002; gnomAD exomes 0.00002 and 0.00004; gnomAD 0.00003 and 0.00004.
gnomAD v4.1: 40 of 1,603,500 alleles (0.0025%); highest among the groups gnomAD compares: Middle Eastern, 0.017%; no homozygotes.

Submissions (4):

PreventionGenetics, part of Exact Sciences
Classification: Likely benign for KMT2D-related condition. Last evaluated: 2026-03-12. Review status: criteria provided, single submitter. Criteria: ACMG Guidelines, 2015. Collection method: clinical testing. Allele origin: germline.
Comment: This variant is classified as likely benign based on ACMG/AMP sequence variant interpretation guidelines (Richards et al. 2015 PMID: 25741868, with internal and published modifications).

Labcorp Genetics (formerly Invitae), Labcorp
Classification: Benign for Kabuki syndrome. Last evaluated: 2025-07-23. Review status: criteria provided, single submitter. Criteria: Invitae Variant Classification Sherloc (09022015). Collection method: clinical testing. Allele origin: germline.

Blueprint Genetics
Classification: Likely benign. Last evaluated: 2024-11-05. Review status: criteria provided, single submitter. Criteria: ACMG Guidelines, 2015. Collection method: clinical testing. Allele origin: germline.

New York Genome Center
Classification: Uncertain significance for Kabuki syndrome 1. Last evaluated: 2021-07-01. Review status: criteria provided, single submitter. Criteria: NYGC Assertion Criteria 2020. Collection method: clinical testing. Allele origin: inherited. Observed: 1 heterozygote. Study: CSER-NYCKidSeq.